The following is an entry in ClinVar:

NM_002335.4(LRP5):c.1408A>T (p.Met470Leu)

Gene: LRP5 (LDL receptor related protein 5; plus strand). Cytogenetic location: 11q13.2.
Variant type: single nucleotide variant.
Coding change: c.1408A>T on transcript NM_002335.4 (MANE Select); coding-DNA position 1408, A replaced by T.
Protein change: p.Met470Leu; replaces methionine 470 with leucine.
Molecular consequence: missense variant. On other transcripts: 5 prime UTR variant (1).
Genome position (GRCh38, 1-based): chr11:68,386,708, A>T. VCF-style: chr11-68386708-A-T. GRCh37 (hg19) VCF-style: chr11-68154176-A-T.
Other names: c.-358A>T (NM_001291902.2); short protein forms M470L.
Identifiers: ClinVar variation 2993524 (VCV002993524.3), dbSNP rs776956543, ClinGen allele CA6149324.
Genomic context (GRCh38, chr11:68,386,708, plus strand): 5'-CGCAAGATCCTGGTGTCGGAGGACCTGGACGAGCCCCGAGCCATCGCACTGCACCCCGTG[A>T]TGGGGTAAGACGGGCGGGGGCTGGGGCCTGGAGCCAGGGCCAGGCCAAGCACAGGCGAGA-3'
Protein context (NP_002326.2, residues 460-480): EPRAIALHPV[Met470Leu]GLMYWTDWGE

ClinVar aggregate classification (germline): Uncertain significance (1 of 4 stars; one submission).

Allele frequency attached by ClinVar (database versions not stated): gnomAD exomes below 0.00001; ExAC 0.00001.
gnomAD v4.1: 1 of 1,612,810 alleles (0.000062%); highest among the groups gnomAD compares: Non-Finnish European, 0.000085%; no homozygotes.

Submission:

Labcorp Genetics (formerly Invitae), Labcorp
Classification: Uncertain significance. Last evaluated: 2025-07-31. Review status: criteria provided, single submitter. Criteria: Invitae Variant Classification Sherloc (09022015). Collection method: clinical testing. Allele origin: germline.
Comment: This sequence change replaces methionine, which is neutral and non-polar, with leucine, which is neutral and non-polar, at codon 470 of the LRP5 protein (p.Met470Leu). This variant is present in population databases (rs776956543, gnomAD 0.0009%). This variant has not been reported in the literature in individuals affected with LRP5-related conditions. ClinVar contains an entry for this variant (Variation ID: 2993524). Invitae Evidence Modeling of protein sequence and biophysical properties (such as structural, functional, and spatial information, amino acid conservation, physicochemical variation, residue mobility, and thermodynamic stability) indicates that this missense variant is not expected to disrupt LRP5 protein function with a negative predictive value of 95%. In summary, the available evidence is currently insufficient to determine the role of this variant in disease. Therefore, it has been classified as a Variant of Uncertain Significance.